The following is an entry in ClinVar:

NM_001099857.5(IKBKG):c.768+2T>G

Gene: IKBKG (inhibitor of nuclear factor kappa B kinase regulatory subunit gamma; plus strand). Cytogenetic location: Xq28.
Variant type: single nucleotide variant.
Coding change: c.768+2T>G on transcript NM_001099857.5 (MANE Select); the canonical splice donor site of the intron after coding-DNA position 768, T replaced by G.
Molecular consequence: splice donor variant. On other transcripts: intron variant (1).
Genome position (GRCh38, 1-based): chrX:154,561,786, T>G. VCF-style: chrX-154561786-T-G. GRCh37 (hg19) VCF-style: chrX-153790001-T-G.
Other names: c.768+2T>G (NM_001377312.1, NM_001321396.3, NM_003639.4); c.765+2T>G (NM_001377313.1, NM_001321397.3); c.972+2T>G (NM_001099856.6); c.615+2T>G (NM_001145255.4); c.612+2T>G (NM_001377314.1); c.400-1024T>G (NM_001377315.1).
Identifiers: ClinVar variation 449291 (VCV000449291.2), dbSNP rs1557236571, ClinGen allele CA415215854.

ClinVar aggregate classification (germline): Pathogenic (1 of 4 stars; one submission).

Submission:

GeneDx
Classification: Pathogenic. Last evaluated: 2015-10-26. Review status: criteria provided, single submitter. Criteria: GeneDx Variant Classification (06012015). Collection method: clinical testing. Allele origin: germline. Affected: yes.
Comment: The c.768+2 T>G splice site variant destroys the canonical splice donor site in intron 6. It is predicted to cause abnormal gene splicing, either leading to an abnormal message that is subject to nonsense-mediated mRNA decay, or to an abnormal protein product if the message is used for protein translation.